The following is an entry in ClinVar:

NM_001303052.2(MYT1L):c.2233G>T (p.Glu745Ter)

Gene: MYT1L (myelin transcription factor 1 like; minus strand). Cytogenetic location: 2p25.3.
Variant type: single nucleotide variant.
Coding change: c.2233G>T on transcript NM_001303052.2 (MANE Select); coding-DNA position 2233, G replaced by T.
Protein change: p.Glu745Ter; replaces glutamic acid 745 with a stop codon.
Molecular consequence: nonsense.
Genome position (GRCh38, 1-based): chr2:1,892,087, C>A on the plus strand (G>T on the coding strand, the complement: MYT1L is on the minus strand). VCF-style: chr2-1892087-C-A. GRCh37 (hg19) VCF-style: chr2-1895859-C-A.
Other names: c.2233G>T, p.Glu745Ter (NM_001329844.2, NM_001329845.1, NM_001329851.3); c.2227G>T, p.Glu743Ter (NM_001329846.3, NM_001329847.2, NM_001329848.1 and 3 more transcripts); short protein forms E743*, E745*.
Identifiers: ClinVar variation 1392738 (VCV001392738.8), dbSNP rs2048962401, ClinGen allele CA345712163.

ClinVar aggregate classification (germline): Pathogenic (1 of 4 stars; one submission).

Submission:

Labcorp Genetics (formerly Invitae), Labcorp
Classification: Pathogenic. Last evaluated: 2021-01-10. Review status: criteria provided, single submitter. Criteria: Invitae Variant Classification Sherloc (09022015). Collection method: clinical testing. Allele origin: germline.
Comment: This sequence change creates a premature translational stop signal (p.Glu743*) in the MYT1L gene. It is expected to result in an absent or disrupted protein product. Loss-of-function variants in MYT1L are known to be pathogenic (PMID: 25232846). For these reasons, this variant has been classified as Pathogenic. This variant has been observed in individual(s) with clinical features of MYTL1-related intellectual disability (PMID: 31674007). This variant is also known as p.Glu745*. This variant is not present in population databases (ExAC no frequency).

Literature cited by the submitters: PubMed 25232846; PubMed 31674007.